The following is an entry in ClinVar:

NM_006516.4(SLC2A1):c.1406del (p.Gln469fs)

Gene: SLC2A1 (solute carrier family 2 member 1; minus strand). Cytogenetic location: 1p34.2.
Variant type: Deletion.
Coding change: c.1406del on transcript NM_006516.4 (MANE Select); coding-DNA position 1406, one base deleted (A; older notation c.1406delA).
Protein change: p.Gln469fs; shifts the reading frame from glutamine 469.
Molecular consequence: frameshift variant.
Genome position (GRCh38, 1-based): chr1:42,927,114, T deleted on the plus strand (A on the coding strand, the reverse complement: SLC2A1 is on the minus strand). VCF-style (leftmost placement, unchanged base first): chr1-42927113-CT-C. GRCh37 (hg19) VCF-style: chr1-43392784-CT-C.
Other names: short protein forms Q469fs.
Identifiers: ClinVar variation 503900 (VCV000503900.2), dbSNP rs1553155816, ClinGen allele CA658795435.

ClinVar aggregate classification (germline): Uncertain significance (1 of 4 stars; one submission).

Submission:

GeneDx
Classification: Uncertain significance. Last evaluated: 2017-12-07. Review status: criteria provided, single submitter. Criteria: GeneDx Variant Classification (06012015). Collection method: clinical testing. Allele origin: germline. Affected: yes.
Comment: The c.1406delA variant in the SLC2A1 gene has not been reported previously as a pathogenic variant nor as a benign variant, to our knowledge. The c.1406delA variant causes a frameshift starting with codon Glutamine 469, changes this amino acid to a Arginine residue, and creates a premature Stop codon at position 39 of the new reading frame, denoted p.Gln469ArgfsX39. This variant results in the last 24 amino acids of the protein being lost and replaced with 38 incorrect amino acids. The c.1406delA variant is not observed in large population cohorts (Lek et al., 2016).